The following is an entry in ClinVar:

NM_001297.5(CNGB1):c.801del (p.Leu267fs)

Gene: CNGB1 (cyclic nucleotide gated channel subunit beta 1; minus strand). Cytogenetic location: 16q21.
Variant type: Deletion.
Coding change: c.801del on transcript NM_001297.5 (MANE Select); coding-DNA position 801, one base deleted (G; older notation c.801delG).
Protein change: p.Leu267fs; shifts the reading frame from leucine 267.
Molecular consequence: frameshift variant.
Genome position (GRCh38, 1-based): chr16:57,958,446, C deleted on the plus strand (G on the coding strand, the reverse complement: CNGB1 is on the minus strand). VCF-style (leftmost placement, unchanged base first): chr16-57958445-GC-G. GRCh37 (hg19) VCF-style: chr16-57992349-GC-G.
Other names: c.801del, p.Leu267fs (NM_001135639.2); c.783del, p.Leu261fs (NM_001286130.2); short protein forms L261fs, L267fs.
Identifiers: ClinVar variation 2972810 (VCV002972810.3), dbSNP rs2544674147, ClinGen allele CA2695223538.
Genomic context (GRCh38, chr16:57,958,445, plus strand): 5'-ACCACTCCATGAGCCCAGCACTGACCTGTTCCCCTATTTTCCCATGTAGCACTGGCTGCG[GC>G]AAGGCCATCTCCAGCCTGTGCAGGACCCATGCCACCAGCCTGCAGGTGGGAGAGAGTGTG-3'

ClinVar aggregate classification (germline): Pathogenic (1 of 4 stars; one submission).

Submission:

Labcorp Genetics (formerly Invitae), Labcorp
Classification: Pathogenic. Last evaluated: 2024-01-11. Review status: criteria provided, single submitter. Criteria: Invitae Variant Classification Sherloc (09022015). Collection method: clinical testing. Allele origin: germline.
Comment: This sequence change creates a premature translational stop signal (p.Leu267Phefs*10) in the CNGB1 gene. It is expected to result in an absent or disrupted protein product. Loss-of-function variants in CNGB1 are known to be pathogenic (PMID: 15557452, 24043777). This variant is not present in population databases (gnomAD no frequency). This premature translational stop signal has been observed in individual(s) with retinitis pigmentosa (PMID: 30902645). For these reasons, this variant has been classified as Pathogenic.

Literature cited by the submitters: PubMed 15557452; PubMed 24043777; PubMed 30902645.